The following is an entry in ClinVar:

ClinVar aggregate classification (germline): Pathogenic (1 of 4 stars; one submission).

Submission:

GeneDx
Classification: Pathogenic. Last evaluated: 2025-10-03. Review status: criteria provided, single submitter. Criteria: GeneDx Variant Classification Process June 2021. Collection method: clinical testing. Allele origin: germline. Affected: yes.
Comment: Not observed at significant frequency in large population cohorts (gnomAD); In silico analysis supports that this missense variant has a deleterious effect on protein structure/function; Has not been previously published as pathogenic or benign to our knowledge

NM_001134673.4(NFIA):c.356G>A (p.Cys119Tyr)

Gene: NFIA (nuclear factor I A; plus strand). Cytogenetic location: 1p31.3.
Variant type: single nucleotide variant.
Coding change: c.356G>A on transcript NM_001134673.4 (MANE Select); coding-DNA position 356, G replaced by A.
Protein change: p.Cys119Tyr; replaces cysteine 119 with tyrosine.
Molecular consequence: missense variant.
Genome position (GRCh38, 1-based): chr1:61,088,477, G>A. VCF-style: chr1-61088477-G-A. GRCh37 (hg19) VCF-style: chr1-61554149-G-A.
Other names: c.332G>A, p.Cys111Tyr (NM_001145511.2); c.491G>A, p.Cys164Tyr (NM_001145512.2); c.356G>A, p.Cys119Tyr (NM_005595.5); short protein forms C111Y, C119Y, C164Y.
Identifiers: ClinVar variation 2506869 (VCV002506869.2), dbSNP rs2524200716, ClinGen allele CA340586862.